The following is an entry in ClinVar:

NM_001903.5(CTNNA1):c.218T>A (p.Leu73Ter)

Gene: CTNNA1 (catenin alpha 1; plus strand). Cytogenetic location: 5q31.2.
Variant type: single nucleotide variant.
Coding change: c.218T>A on transcript NM_001903.5 (MANE Select); coding-DNA position 218, T replaced by A.
Protein change: p.Leu73Ter; replaces leucine 73 with a stop codon.
Molecular consequence: nonsense. On other transcripts: intron variant (2).
Genome position (GRCh38, 1-based): chr5:138,783,289, T>A. VCF-style: chr5-138783289-T-A. GRCh37 (hg19) VCF-style: chr5-138118978-T-A.
Other names: c.218T>A, p.Leu73Ter (NM_001290307.3, NM_001323982.2, NM_001323983.1 and 3 more transcripts); c.-6+17T>A (NM_001290310.3); c.-9+1260T>A (NM_001290309.3); short protein forms L73*.
Identifiers: ClinVar variation 2496952 (VCV002496952.3), dbSNP rs2532178840, ClinGen allele CA361477499.

ClinVar aggregate classification (germline): Pathogenic (1 of 4 stars; one submission).

Conditions:
Hereditary cancer-predisposing syndrome. Also called: Neoplastic Syndromes, Hereditary; Hereditary neoplastic syndrome; Tumor predisposition; Hereditary Cancer Syndrome. Identifiers: Orphanet 140162, MedGen C0027672, MeSH D009386, MONDO:0015356.

Submission:

Ambry Genetics
Classification: Pathogenic for Hereditary cancer-predisposing syndrome. Last evaluated: 2025-07-15. Review status: criteria provided, single submitter. Criteria: Ambry Variant Classification Scheme 2023. Collection method: clinical testing. Allele origin: germline.
Comment: The p.L73* pathogenic mutation (also known as c.218T>A), located in coding exon 2 of the CTNNA1 gene, results from a T to A substitution at nucleotide position 218. This changes the amino acid from a leucine to a stop codon within coding exon 2. This variant is considered to be rare based on population cohorts in the Genome Aggregation Database (gnomAD). This alteration is expected to result in loss of function by premature protein truncation or nonsense-mediated mRNA decay. As such, this alteration is interpreted as a disease-causing mutation.